The following is an entry in ClinVar:

ClinVar aggregate classification (germline): Uncertain significance (1 of 4 stars; one submission).

Allele frequency attached by ClinVar (database versions not stated): gnomAD exomes below 0.00001 and 0.00001; gnomAD 0.00001; TOPMed 0.00001.
gnomAD v4.1: 4 of 1,609,840 alleles (0.00025%); highest among the groups gnomAD compares: East Asian, 0.0045%; no homozygotes.

Submission:

Labcorp Genetics (formerly Invitae), Labcorp
Classification: Uncertain significance. Last evaluated: 2022-08-22. Review status: criteria provided, single submitter. Criteria: Invitae Variant Classification Sherloc (09022015). Collection method: clinical testing. Allele origin: germline.
Comment: Algorithms developed to predict the effect of sequence changes on RNA splicing suggest that this variant may create or strengthen a splice site. Algorithms developed to predict the effect of missense changes on protein structure and function (SIFT, PolyPhen-2, Align-GVGD) all suggest that this variant is likely to be tolerated. ClinVar contains an entry for this variant (Variation ID: 1472498). This variant has not been reported in the literature in individuals affected with CDC14A-related conditions. This variant is present in population databases (rs796559022, gnomAD 0.006%). This sequence change replaces asparagine, which is neutral and polar, with serine, which is neutral and polar, at codon 33 of the CDC14A protein (p.Asn33Ser). In summary, the available evidence is currently insufficient to determine the role of this variant in disease. Therefore, it has been classified as a Variant of Uncertain Significance.

NM_003672.4(CDC14A):c.98A>G (p.Asn33Ser)

Gene: CDC14A (cell division cycle 14A; plus strand). Cytogenetic location: 1p21.2.
Variant type: single nucleotide variant.
Coding change: c.98A>G on transcript NM_003672.4 (MANE Select); coding-DNA position 98, A replaced by G.
Protein change: p.Asn33Ser; replaces asparagine 33 with serine.
Molecular consequence: missense variant. On other transcripts: 5 prime UTR variant (2).
Genome position (GRCh38, 1-based): chr1:100,353,810, A>G. VCF-style: chr1-100353810-A-G. GRCh37 (hg19) VCF-style: chr1-100819366-A-G.
Other names: c.98A>G, p.Asn33Ser (NM_001319210.2, NM_033312.3, NM_033313.3); c.-77A>G (NM_001319211.2); c.-694A>G (NM_001319212.2); short protein forms N33S.
Identifiers: ClinVar variation 1472498 (VCV001472498.6), dbSNP rs796559022, ClinGen allele CA27608537.
Genomic context (GRCh38, chr1:100,353,810, plus strand): 5'-CTTGTCTTTCAGATCGGTTATATTTTGCTACTTTAAGGAATAGACCAAAAAGCACAGTAA[A>G]TACCCACTATTTCTCCATCGATGAGGAGCTGGTCTATGAAAAGTAAGTTTATGTTTTGTT-3'
Protein context (NP_003663.2, residues 23-43): TLRNRPKSTV[Asn33Ser]THYFSIDEEL